The following is an entry in ClinVar:

ClinVar aggregate classification (germline): Likely pathogenic. Review status: criteria provided, single submitter (1 of 4 stars). 2 submissions from 2 submitters: Likely pathogenic (1). 1 of the submissions does not count toward it. Last evaluated 2024-04-16.

Conditions:
Congenital diarrhea 7 with exudative enteropathy. Also called: Diarrhea 7. Identifiers: Orphanet 329242, MedGen C4014516, MONDO:0014375, OMIM 615863.
DGAT1-related disorder. Also called: DGAT1-related condition.

Submissions (2):

Fulgent Genetics
Classification: Likely pathogenic for Congenital diarrhea 7 with exudative enteropathy. Last evaluated: 2024-04-16. Review status: criteria provided, single submitter. Criteria: ACMG Guidelines, 2015. Collection method: clinical testing. Allele origin: germline.

PreventionGenetics, part of Exact Sciences
Classification: Likely pathogenic for DGAT1-related condition. Last evaluated: 2024-05-08. Review status: no assertion criteria provided. Collection method: clinical testing. Allele origin: germline. Not counted in ClinVar's aggregate classification.
Comment: The DGAT1 c.1208_1217dup10 variant is predicted to result in a frameshift and premature protein termination (p.Val407Glnfs*79). To our knowledge, this variant has not been reported in the literature. This variant is reported in 0.0018% of alleles in individuals of European (non-Finnish) descent in gnomAD. Frameshift variants in DGAT1 are expected to be pathogenic. This variant is interpreted as likely pathogenic.

NM_012079.6(DGAT1):c.1208_1217dup (p.Val407fs)

Gene: DGAT1 (diacylglycerol O-acyltransferase 1; minus strand). Cytogenetic location: 8q24.3.
Variant type: Duplication.
Coding change: c.1208_1217dup on transcript NM_012079.6 (MANE Select); coding-DNA positions 1208 to 1217, 10 bases duplicated (CCAGGACAGG; older notation c.1208_1217dupCCAGGACAGG).
Protein change: p.Val407fs; shifts the reading frame from valine 407.
Molecular consequence: frameshift variant.
Genome position (GRCh38, 1-based): chr8:144,317,053-144,317,062, CCTGTCCTGG duplicated on the plus strand (CCAGGACAGG on the coding strand, the reverse complement: DGAT1 is on the minus strand); duplicating any 10 consecutive bases within chr8:144,317,053-144,317,064 gives the same sequence; the c. name uses the placement nearest the transcript's 3' end. VCF-style (leftmost placement, unchanged base first): chr8-144317052-C-CCCTGTCCTGG. GRCh37 (hg19) VCF-style: chr8-145540715-C-CCCTGTCCTGG.
Other names: short protein forms V407fs.
Identifiers: ClinVar variation 3355242 (VCV003355242.2).